The following is an entry in ClinVar:

ClinVar aggregate classification (germline): Uncertain significance (1 of 4 stars; one submission).

Conditions:
Progressive myoclonic epilepsy. Also called: Familial progressive myoclonic epilepsy; Progressive myoclonus epilepsy; Myoclonic Epilepsies, Progressive; Myoclonus epilepsy. Identifiers: Orphanet 308, Orphanet 98261, MedGen C0751778, MONDO:0020074.

gnomAD v4.1: 2 of 1,301,948 alleles (0.00015%); highest among the groups gnomAD compares: East Asian, 0.0036%; no homozygotes.

Submission:

Labcorp Genetics (formerly Invitae), Labcorp
Classification: Uncertain significance for Progressive myoclonic epilepsy. Last evaluated: 2024-11-11. Review status: criteria provided, single submitter. Criteria: Invitae Variant Classification Sherloc (09022015). Collection method: clinical testing. Allele origin: germline.
Comment: This sequence change replaces aspartic acid, which is acidic and polar, with histidine, which is basic and polar, at codon 49 of the EPM2A protein (p.Asp49His). This variant is not present in population databases (gnomAD no frequency). This variant has not been reported in the literature in individuals affected with EPM2A-related conditions. An algorithm developed to predict the effect of missense changes on protein structure and function (PolyPhen-2) suggests that this variant is likely to be tolerated. In summary, the available evidence is currently insufficient to determine the role of this variant in disease. Therefore, it has been classified as a Variant of Uncertain Significance.

NM_005670.4(EPM2A):c.145G>C (p.Asp49His)

Genes: EPM2A (EPM2A glucan phosphatase, laforin; minus strand), EPM2A-DT (EPM2A divergent transcript; plus strand), LOC129997381 (ATAC-STARR-seq lymphoblastoid silent region 17642; plus strand). Cytogenetic location: 6q24.3.
Variant type: single nucleotide variant.
Coding change: c.145G>C on transcript NM_005670.4 (MANE Select); coding-DNA position 145, G replaced by C.
Protein change: p.Asp49His; replaces aspartic acid 49 with histidine.
Molecular consequence: missense variant. On other transcripts: 5 prime UTR variant (3), intron variant (1).
Genome position (GRCh38, 1-based): chr6:145,735,354, C>G on the plus strand (G>C on the coding strand, the complement: EPM2A is on the minus strand). VCF-style: chr6-145735354-C-G. GRCh37 (hg19) VCF-style: chr6-146056490-C-G.
Other names: c.145G>C, p.Asp49His (NM_001018041.2, NM_001360057.2, NM_001368130.1); c.-525G>C (NM_001360071.2); c.-479G>C (NM_001368129.2); c.-223G>C (NM_001368131.1); c.-114+554G>C (NM_001360064.2); short protein forms D49H.
Identifiers: ClinVar variation 3699854 (VCV003699854.2).
Genomic context (GRCh38, chr6:145,735,354, plus strand): 5'-CGGCCGCCAGCTCCACCTCCCCGAGCCACAGGCCCGGCTCCTGCAGGGCCAGGGCCCCGT[C>G]GCCCGCCGCGGTGCCGGCCGGCCTCAGGCGGACGGCACCGCGCGGCTCCCAACGCCCCAG-3'
Protein context (NP_005661.1, residues 39-59): RLRPAGTAAG[Asp49His]GALALQEPGL